The following is an entry in ClinVar:

NM_020408.6(LYRM4):c.187C>T (p.Leu63Phe)

Genes: LYRM4 (LYR motif containing 4; minus strand), LYRM4-AS1 (LYRM4 antisense RNA 1; plus strand). Cytogenetic location: 6p25.1.
Variant type: single nucleotide variant.
Coding change: c.187C>T on transcript NM_020408.6 (MANE Select); coding-DNA position 187, C replaced by T.
Protein change: p.Leu63Phe; replaces leucine 63 with phenylalanine.
Molecular consequence: missense variant. On other transcripts: non-coding transcript variant (2).
Genome position (GRCh38, 1-based): chr6:5,216,638, G>A on the plus strand (C>T on the coding strand, the complement: LYRM4 is on the minus strand). VCF-style: chr6-5216638-G-A. GRCh37 (hg19) VCF-style: chr6-5216871-G-A.
Other names: c.187C>T, p.Leu63Phe (NM_001164840.3, NM_001164841.3, NM_001318782.1 and 1 more transcripts); short protein forms L63F.
Identifiers: ClinVar variation 1912189 (VCV001912189.5), dbSNP rs375231211, ClinGen allele CA3623500.

ClinVar aggregate classification (germline): Uncertain significance (1 of 4 stars; one submission).

Allele frequency attached by ClinVar (database versions not stated): ExAC 0.00002; gnomAD exomes 0.00002; TOPMed 0.00002; ESP Exome Variant Server 0.00008.
gnomAD v4.1: 27 of 1,613,878 alleles (0.0017%); highest among the groups gnomAD compares: Non-Finnish European, 0.0022%; no homozygotes.

Submission:

Labcorp Genetics (formerly Invitae), Labcorp
Classification: Uncertain significance. Last evaluated: 2025-07-07. Review status: criteria provided, single submitter. Criteria: Invitae Variant Classification Sherloc (09022015). Collection method: clinical testing. Allele origin: germline.
Comment: This sequence change replaces leucine, which is neutral and non-polar, with phenylalanine, which is neutral and non-polar, at codon 63 of the LYRM4 protein (p.Leu63Phe). This variant is present in population databases (rs375231211, gnomAD 0.003%). This variant has not been reported in the literature in individuals affected with LYRM4-related conditions. ClinVar contains an entry for this variant (Variation ID: 1912189). An algorithm developed to predict the effect of missense changes on protein structure and function (PolyPhen-2) suggests that this variant is likely to be disruptive. In summary, the available evidence is currently insufficient to determine the role of this variant in disease. Therefore, it has been classified as a Variant of Uncertain Significance.